The following is an entry in ClinVar:

ClinVar aggregate classification (germline): Likely benign. Review status: criteria provided, multiple submitters, no conflicts (2 of 4 stars). 5 submissions from 5 submitters: Likely benign (5). Last evaluated 2025-11-24.

Conditions:
Charcot-Marie-Tooth disease type 4. Also called: Charcot-Marie-Tooth disease, type IV; Charcot-Marie-Tooth, Type 4. Identifiers: Orphanet 64749, MedGen C4082197, MONDO:0018995.
SH3TC2-related disorder. Also called: SH3TC2-related disorders; SH3TC2-related condition. Identifiers: MedGen CN239303.
Inborn genetic diseases. Identifiers: MedGen C0950123, MeSH D030342.

Allele frequency attached by ClinVar (database versions not stated): gnomAD exomes 0.00010 and 0.00006; gnomAD 0.00003 and 0.00004; ExAC 0.00004; ESP Exome Variant Server 0.00008; TOPMed 0.00008.
gnomAD v4.1: 157 of 1,614,052 alleles (0.0097%); highest among the groups gnomAD compares: Non-Finnish European, 0.013%; no homozygotes.

Submissions (5):

Labcorp Genetics (formerly Invitae), Labcorp
Classification: Likely benign for Charcot-Marie-Tooth disease type 4. Last evaluated: 2025-11-24. Review status: criteria provided, single submitter. Criteria: Invitae Variant Classification Sherloc (09022015). Collection method: clinical testing. Allele origin: germline.

PreventionGenetics, part of Exact Sciences
Classification: Likely benign for SH3TC2-related condition. Last evaluated: 2025-09-10. Review status: criteria provided, single submitter. Criteria: ACMG Guidelines, 2015. Collection method: clinical testing. Allele origin: germline.
Comment: This variant is classified as likely benign based on ACMG/AMP sequence variant interpretation guidelines (Richards et al. 2015 PMID: 25741868, with internal and published modifications).

Women's Health and Genetics/Laboratory Corporation of America, LabCorp
Classification: Likely benign. Last evaluated: 2025-09-02. Review status: criteria provided, single submitter. Criteria: LabCorp Variant Classification Summary - May 2015. Collection method: clinical testing. Allele origin: germline.

GeneDx
Classification: Likely benign. Last evaluated: 2020-08-14. Review status: criteria provided, single submitter. Criteria: GeneDx Variant Classification Process June 2021. Collection method: clinical testing. Allele origin: germline. Affected: yes.

Ambry Genetics
Classification: Likely benign for Inborn genetic diseases. Last evaluated: 2019-07-11. Review status: criteria provided, single submitter. Criteria: Ambry Variant Classification Scheme 2023. Collection method: clinical testing. Allele origin: germline.

NM_024577.4(SH3TC2):c.3168C>T (p.Leu1056=)

Gene: SH3TC2 (SH3 domain and tetratricopeptide repeats 2; minus strand). Cytogenetic location: 5q32.
Variant type: single nucleotide variant.
Coding change: c.3168C>T on transcript NM_024577.4 (MANE Select); coding-DNA position 3168, C replaced by T.
Protein change: p.Leu1056=; no amino-acid change (leucine 1056 retained).
Molecular consequence: synonymous variant.
Genome position (GRCh38, 1-based): chr5:149,012,620, G>A on the plus strand (C>T on the coding strand, the complement: SH3TC2 is on the minus strand). VCF-style: chr5-149012620-G-A. GRCh37 (hg19) VCF-style: chr5-148392183-G-A.
Identifiers: ClinVar variation 543471 (VCV000543471.18), dbSNP rs200795092, ClinGen allele CA3498832.
Genomic context (GRCh38, chr5:149,012,620, plus strand): 5'-CAGAGAGCTCTGCAGGAGGCCTACCTGCAGGCACAGCTCCACCAGCTCGTCTTCCTGCAT[G>A]AGGTAGTGGAGTCGCCCCGCCCCAAGCCAGGCCTCAGCAGCCTTGTCTGTCTCCCCCAGG-3'
Protein context (NP_078853.2, residues 1046-1066): AWLGAGRLHY[Leu1056=]MQEDELVELC